The following is an entry in ClinVar:

ClinVar aggregate classification (germline): Likely benign (1 of 4 stars; one submission).

Allele frequency attached by ClinVar (database versions not stated): ExAC 0.00001.

Submission:

CeGaT Center for Human Genetics Tuebingen
Classification: Likely benign. Last evaluated: 2023-03-01. Review status: criteria provided, single submitter. Criteria: CeGaT Center For Human Genetics Tuebingen Variant Classification Criteria Version 2. Collection method: clinical testing. Allele origin: germline. Affected: yes. Observed: 1 variant allele.
Comment: CPAP: BP4, BP7

NM_018451.5(CPAP):c.3450G>A (p.Gln1150=)

Genes: CPAP (centrosome assembly and centriole elongation protein; minus strand), RNF17 (ring finger protein 17; plus strand). Cytogenetic location: 13q12.12.
Variant type: single nucleotide variant.
Coding change: c.3450G>A on transcript NM_018451.5 (MANE Select); coding-DNA position 3450, G replaced by A.
Protein change: p.Gln1150=; no amino-acid change (glutamine 1150 retained).
Molecular consequence: synonymous variant. On other transcripts: non-coding transcript variant (2).
Genome position (GRCh38, 1-based): chr13:24,885,303, C>T on the plus strand (G>A on the coding strand, the complement: CPAP is on the minus strand). VCF-style: chr13-24885303-C-T. GRCh37 (hg19) VCF-style: chr13-25459441-C-T.
Identifiers: ClinVar variation 2643698 (VCV002643698.24), dbSNP rs1339504787, ClinGen allele CA6919283.
Genomic context (GRCh38, chr13:24,885,303, plus strand): 5'-ATAGAATTCATTATTTCAAAAACATTTTTTAACCTTTCCATCAGGATGACTGATTTCTCC[C>T]TGTATGTCTTGGTCTTCCTCCTCCTCTTTATATTCAGGATCTGGGAAGTTCAGTGGTTCA-3'
Protein context (NP_060921.3, residues 1140-1160): YKEEEEDQDI[Gln1150=]GEISHPDGKV